The following is an entry in ClinVar:

ClinVar aggregate classification (germline): Likely benign (0 of 4 stars; one submission).

Conditions:
LRP4-related disorder. Also called: LRP4-related condition.

Submission:

PreventionGenetics, part of Exact Sciences
Classification: Likely benign for LRP4-related condition. Last evaluated: 2022-11-14. Review status: no assertion criteria provided. Collection method: clinical testing. Allele origin: germline.
Comment: This variant is classified as likely benign based on ACMG/AMP sequence variant interpretation guidelines (Richards et al. 2015 PMID: 25741868, with internal and published modifications).

NM_002334.4(LRP4):c.4231C>A (p.Arg1411=)

Genes: LRP4 (LDL receptor related protein 4; minus strand), LRP4-AS1 (LRP4 antisense RNA 1; plus strand). Cytogenetic location: 11p11.2.
Variant type: single nucleotide variant.
Coding change: c.4231C>A on transcript NM_002334.4 (MANE Select); coding-DNA position 4231, C replaced by A.
Protein change: p.Arg1411=; no amino-acid change (arginine 1411 retained).
Molecular consequence: synonymous variant. On other transcripts: non-coding transcript variant (1).
Genome position (GRCh38, 1-based): chr11:46,873,592, G>T on the plus strand (C>A on the coding strand, the complement: LRP4 is on the minus strand). VCF-style: chr11-46873592-G-T. GRCh37 (hg19) VCF-style: chr11-46895143-G-T.
Identifiers: ClinVar variation 3032217 (VCV003032217.2), dbSNP rs1276522994, ClinGen allele CA473873035.